The following is an entry in ClinVar:

ClinVar aggregate classification (germline): Uncertain significance. Review status: criteria provided, multiple submitters, no conflicts (2 of 4 stars). 2 submissions from 2 submitters: Uncertain significance (2). Last evaluated 2025-10-02.

Conditions:
Neurodegeneration with brain iron accumulation 8. Identifiers: MedGen C4693587, MONDO:0054764, OMIM 617917.

Allele frequency attached by ClinVar (database versions not stated): 1000 Genomes Project 0.00020; 1000 Genomes Project 30x 0.00031; gnomAD 0.00037 and 0.00038; TOPMed 0.00040; ESP Exome Variant Server 0.00062.
gnomAD v4.1: 1,056 of 1,613,356 alleles (0.065%); highest among the groups gnomAD compares: Non-Finnish European, 0.085%; 1 homozygote.

Submissions (2):

Labcorp Genetics (formerly Invitae), Labcorp
Classification: Uncertain significance. Last evaluated: 2025-10-02. Review status: criteria provided, single submitter. Criteria: Invitae Variant Classification Sherloc (09022015). Collection method: clinical testing. Allele origin: germline.
Comment: This sequence change replaces arginine, which is basic and polar, with tryptophan, which is neutral and slightly polar, at codon 273 of the CRAT protein (p.Arg273Trp). This variant is present in population databases (rs141122671, gnomAD 0.07%), and has an allele count higher than expected for a pathogenic variant. This variant has not been reported in the literature in individuals affected with CRAT-related conditions. ClinVar contains an entry for this variant (Variation ID: 1061101). Invitae Evidence Modeling of protein sequence and biophysical properties (such as structural, functional, and spatial information, amino acid conservation, physicochemical variation, residue mobility, and thermodynamic stability) indicates that this missense variant is not expected to disrupt CRAT protein function with a negative predictive value of 80%. In summary, the available evidence is currently insufficient to determine the role of this variant in disease. Therefore, it has been classified as a Variant of Uncertain Significance.

New York Genome Center
Classification: Uncertain significance for Neurodegeneration with brain iron accumulation 8. Last evaluated: 2020-05-29. Review status: criteria provided, single submitter. Criteria: NYGC Assertion Criteria 2020. Collection method: clinical testing. Allele origin: germline. Observed: 1 heterozygote. Study: CSER-NYCKidSeq.

NM_000755.5(CRAT):c.817C>T (p.Arg273Trp)

Gene: CRAT (carnitine O-acetyltransferase; minus strand). Cytogenetic location: 9q34.11.
Variant type: single nucleotide variant.
Coding change: c.817C>T on transcript NM_000755.5 (MANE Select); coding-DNA position 817, C replaced by T.
Protein change: p.Arg273Trp; replaces arginine 273 with tryptophan.
Molecular consequence: missense variant.
Genome position (GRCh38, 1-based): chr9:129,100,678, G>A on the plus strand (C>T on the coding strand, the complement: CRAT is on the minus strand). VCF-style: chr9-129100678-G-A. GRCh37 (hg19) VCF-style: chr9-131862957-G-A.
Other names: c.754C>T, p.Arg252Trp (NM_001257363.3, NM_001346548.2, NM_004003.4); c.820C>T, p.Arg274Trp (NM_001346546.2); c.817C>T, p.Arg273Trp (NM_001346547.2); c.697C>T, p.Arg233Trp (NM_001346549.2); short protein forms R233W, R252W, R273W, R274W.
Identifiers: ClinVar variation 1061101 (VCV001061101.8), dbSNP rs141122671, ClinGen allele CA5275600.
Genomic context (GRCh38, chr9:129,100,678, plus strand): 5'-GCATGGTTGCATCTAGGCACACGGTGAAGATGCTCTTCTGGATGGAGCGCACGGAATCCC[G>A]GTTCACCTTGTCTGCAGGTGGCATGGGGCGGGGAGACGCAAAATGGGGTCTCATGGTGTG-3'
Protein context (NP_000746.3, residues 263-283): YNTLIKDKVN[Arg273Trp]DSVRSIQKSI